The following is an entry in ClinVar:

NM_000260.4(MYO7A):c.162_165dup (p.Ile56fs)

Gene: MYO7A (myosin VIIA; plus strand). Cytogenetic location: 11q13.5.
Variant type: Duplication.
Coding change: c.162_165dup on transcript NM_000260.4 (MANE Select); coding-DNA positions 162 to 165, 4 bases duplicated (GCAC; older notation c.162_165dupGCAC).
Protein change: p.Ile56fs; shifts the reading frame from isoleucine 56.
Molecular consequence: frameshift variant.
Genome position (GRCh38, 1-based): chr11:77,147,827-77,147,830, GCAC duplicated; duplicating any 4 consecutive bases within chr11:77,147,825-77,147,830 gives the same sequence; the c. name uses the placement nearest the transcript's 3' end. VCF-style (leftmost placement, unchanged base first): chr11-77147824-A-AACGC. GRCh37 (hg19) VCF-style: chr11-76858870-A-AACGC.
Other names: c.162_165dup, p.Ile56fs (NM_001127180.2); c.129_132dup, p.Ile45fs (NM_001369365.1); short protein forms I45fs, I56fs.
Identifiers: ClinVar variation 5012607 (VCV005012607.1).

ClinVar aggregate classification (germline): Pathogenic (1 of 4 stars; one submission).

Conditions:
Usher syndrome type 1 (USH1). Also called: RETINITIS PIGMENTOSA AND CONGENITAL DEAFNESS. Identifiers: Orphanet 231169, Orphanet 886, MedGen C1568247, MONDO:0010168, OMIM 276900.

Submission:

Myriad Genetics, Inc.
Classification: Pathogenic for Usher syndrome type 1. Last evaluated: 2023-12-25. Review status: criteria provided, single submitter. Criteria: Myriad Autosomal Dominant, Autosomal Recessive and X-Linked Classification Criteria (2023). Collection method: clinical testing. Allele origin: unknown.
Comment: NM_000260.3(MYO7A):c.162_165dupGCAC(I56Afs*85) is expected to be pathogenic in the context of MYO7A-related disorders. This variant is predicted to lead to an abnormal or absent protein product due to the creation of a premature termination codon in MYO7A, a gene where loss-of-function variants are known to be pathogenic. Please note: this variant was assessed in the context of healthy population screening.